The following is an entry in ClinVar:

NM_001211.6(BUB1B):c.1556C>G (p.Pro519Arg)

Gene: BUB1B (BUB1 mitotic checkpoint serine/threonine kinase B; plus strand). Cytogenetic location: 15q15.1.
Variant type: single nucleotide variant.
Coding change: c.1556C>G on transcript NM_001211.6 (MANE Select); coding-DNA position 1556, C replaced by G.
Protein change: p.Pro519Arg; replaces proline 519 with arginine.
Molecular consequence: missense variant.
Genome position (GRCh38, 1-based): chr15:40,200,969, C>G. VCF-style: chr15-40200969-C-G. GRCh37 (hg19) VCF-style: chr15-40493170-C-G.
Other names: short protein forms P519R.
Identifiers: ClinVar variation 2565456 (VCV002565456.2), dbSNP rs2542557174, ClinGen allele CA391690838.

ClinVar aggregate classification (germline): Uncertain significance (1 of 4 stars; one submission).

Conditions:
Inborn genetic diseases. Identifiers: MedGen C0950123, MeSH D030342.

Submission:

Ambry Genetics
Classification: Uncertain significance for Inborn genetic diseases. Last evaluated: 2023-04-30. Review status: criteria provided, single submitter. Criteria: Ambry Variant Classification Scheme 2023. Collection method: clinical testing. Allele origin: germline.
Comment: The p.P519R variant (also known as c.1556C>G), located in coding exon 12 of the BUB1B gene, results from a C to G substitution at nucleotide position 1556. The proline at codon 519 is replaced by arginine, an amino acid with dissimilar properties. This amino acid position is conserved. In addition, this alteration is predicted to be tolerated by in silico analysis. Since supporting evidence is limited at this time, the clinical significance of this alteration remains unclear.